The following is an entry in ClinVar:

NM_007227.3(GPR45):c.150G>A (p.Leu50=)

Gene: GPR45 (G protein-coupled receptor 45; plus strand). Cytogenetic location: 2q12.1.
Variant type: single nucleotide variant.
Coding change: c.150G>A on transcript NM_007227.3 (MANE Select); coding-DNA position 150, G replaced by A.
Protein change: p.Leu50=; no amino-acid change (leucine 50 retained).
Molecular consequence: synonymous variant.
Genome position (GRCh38, 1-based): chr2:105,242,008, G>A. VCF-style: chr2-105242008-G-A. GRCh37 (hg19) VCF-style: chr2-105858465-G-A.
Identifiers: ClinVar variation 2025603 (VCV002025603.4), dbSNP rs201549672, ClinGen allele CA428207892.

ClinVar aggregate classification (germline): Uncertain significance (1 of 4 stars; one submission).

gnomAD v4.1: 1 of 1,613,780 alleles (0.000062%); highest among the groups gnomAD compares: Admixed American, 0.0017%; no homozygotes.

Submission:

Labcorp Genetics (formerly Invitae), Labcorp
Classification: Uncertain significance. Last evaluated: 2022-08-21. Review status: criteria provided, single submitter. Criteria: Invitae Variant Classification Sherloc (09022015). Collection method: clinical testing. Allele origin: germline.
Comment: In summary, the available evidence is currently insufficient to determine the role of this variant in disease. Therefore, it has been classified as a Variant of Uncertain Significance. This variant has not been reported in the literature in individuals affected with GPR45-related conditions. This variant is not present in population databases (gnomAD no frequency). This sequence change affects codon 50 of the GPR45 mRNA. It is a 'silent' change, meaning that it does not change the encoded amino acid sequence of the GPR45 protein.